The following is an entry in ClinVar:

ClinVar aggregate classification (germline): Benign/Likely benign. Review status: criteria provided, multiple submitters, no conflicts (2 of 4 stars). 3 submissions from 3 submitters: Benign (1); Likely benign (2). Last evaluated 2024-05-22.

Conditions:
ATM-related cancer predisposition. Also called: ATM-related cancer susceptibility. Identifiers: MedGen CN377759, MONDO:0700270.
Familial cancer of breast. Also called: hereditary breast carcinoma; BREAST CANCER, FAMILIAL; Hereditary breast cancer. Identifiers: Orphanet 227535, MedGen C0346153, MONDO:0016419, OMIM 114480. Disease mechanism: loss of function.
Ataxia-telangiectasia syndrome (AT). Also called: LOUIS-BAR SYNDROME; Cerebello-oculocutaneous telangiectasia; Immunodeficiency with ataxia telangiectasia; Ataxia telangiectasia (A-T); Ataxia-telangiectasia, complementation group D; AT, COMPLEMENTATION GROUP C. Identifiers: Orphanet 100, MedGen C0004135, MONDO:0008840, OMIM 208900.

Allele frequency attached by ClinVar (database versions not stated): gnomAD exomes below 0.00001.
gnomAD v4.1: 1 of 1,613,878 alleles (0.000062%); highest among the groups gnomAD compares: Non-Finnish European, 0.000085%; no homozygotes.

Submissions (3):

Myriad Genetics, Inc.
Classification: Benign for Familial cancer of breast. Last evaluated: 2024-05-22. Review status: criteria provided, single submitter. Criteria: Myriad Autosomal Dominant, Autosomal Recessive and X-Linked Classification Criteria (2023). Collection method: clinical testing. Allele origin: unknown.
Comment: This variant is considered benign. This variant is a silent/synonymous amino acid change and it is not expected to impact splicing.

Labcorp Genetics (formerly Invitae), Labcorp
Classification: Likely benign for Ataxia-telangiectasia syndrome. Last evaluated: 2023-12-27. Review status: criteria provided, single submitter. Criteria: Invitae Variant Classification Sherloc (09022015). Collection method: clinical testing. Allele origin: germline.

Department of Pathology and Laboratory Medicine, Sinai Health System
Classification: Likely benign for ATM-related cancer predisposition. Last evaluated: 2021-01-12. Review status: criteria provided, single submitter. Criteria: ACMG Guidelines, 2015. Collection method: clinical testing. Allele origin: germline. Affected: no.

NM_000051.4(ATM):c.5094G>A (p.Lys1698=)

Gene: ATM (ATM serine/threonine kinase; plus strand). Cytogenetic location: 11q22.3.
Variant type: single nucleotide variant.
Coding change: c.5094G>A on transcript NM_000051.4 (MANE Select); coding-DNA position 5094, G replaced by A.
Protein change: p.Lys1698=; no amino-acid change (lysine 1698 retained).
Molecular consequence: synonymous variant.
Genome position (GRCh38, 1-based): chr11:108,299,802, G>A. VCF-style: chr11-108299802-G-A. GRCh37 (hg19) VCF-style: chr11-108170529-G-A.
Other names: c.5094G>A, p.Lys1698= (NM_001351834.2).
Identifiers: ClinVar variation 2705939 (VCV002705939.5), dbSNP rs2546964856, ClinGen allele CA476674700.